The following is an entry in ClinVar:

ClinVar aggregate classification (germline): Pathogenic (1 of 4 stars; one submission).

Conditions:
Neurofibromatosis, type 2 (SWNV). Also called: SCHWANNOMATOSIS, VESTIBULAR; BILATERAL ACOUSTIC NEUROFIBROMATOSIS; NF2-Related Schwannomatosis. Identifiers: Orphanet 637, MedGen C0027832, MONDO:0007039, OMIM 101000. Disease mechanism: loss of function.

Submission:

Labcorp Genetics (formerly Invitae), Labcorp
Classification: Pathogenic for Neurofibromatosis, type 2. Last evaluated: 2022-12-15. Review status: criteria provided, single submitter. Criteria: Invitae Variant Classification Sherloc (09022015). Collection method: clinical testing. Allele origin: germline.
Comment: For these reasons, this variant has been classified as Pathogenic. This variant disrupts a region of the NF2 protein in which other variant(s) (Deletion (Exon 5)) have been determined to be pathogenic (PMID: 19968670; Invitae). This suggests that this is a clinically significant region of the protein, and that variants that disrupt it are likely to be disease-causing. A similar copy number variant has been observed in individual(s) with neurofibromatosis - type 2 (PMID: 19968670). This variant is a gross deletion of the genomic region encompassing exon(s) 2-10 of the NF2 gene. This variant would be expected to be in-frame, preserving the integrity of the reading frame.

Literature cited by the submitters: PubMed 19968670.

NC_000022.10:g.(?_30032730)_(30064445_?)del

Gene: NF2 (NF2, moesin-ezrin-radixin like (MERLIN) tumor suppressor; plus strand). Cytogenetic location: 22q12.2.
Variant type: Deletion.
Identifiers: ClinVar variation 2422756 (VCV002422756.8).